The following is an entry in ClinVar:

ClinVar aggregate classification (germline): Uncertain significance (1 of 4 stars; one submission).

Conditions:
Emery-Dreifuss muscular dystrophy 5, autosomal dominant (EDMD5). Also called: EMERY-DREIFUSS MUSCULAR DYSTROPHY 5. Identifiers: Orphanet 261, MedGen C2751805, MONDO:0013072, OMIM 612999.

Submission:

Juno Genomics, Hangzhou Juno Genomics, Inc
Classification: Uncertain significance for Emery-Dreifuss muscular dystrophy 5, autosomal dominant. Review status: criteria provided, single submitter. Criteria: ACMG Guidelines, 2015. Collection method: clinical testing. Allele origin: germline.
Comment: Absent from controls (or at extremely low frequency if recessive) in Genome Aggregation Database.;Protein length changes due to in-frame deletions/insertions in a non-repeat region or stop-loss variants.

NM_182914.3(SYNE2):c.20532_20546dup (p.Ser6849_Phe6850insArgProGlnArgSer)

Gene: SYNE2 (spectrin repeat containing nuclear envelope protein 2; plus strand). Cytogenetic location: 14q23.2.
Variant type: Duplication.
Coding change: c.20532_20546dup on transcript NM_182914.3 (MANE Select); coding-DNA positions 20532 to 20546, 15 bases duplicated (ACGGCCACAGCGCTC).
Protein change: p.Ser6849_Phe6850insArgProGlnArgSer.
Molecular consequence: inframe insertion.
Genome position (GRCh38, 1-based): chr14:64,225,334-64,225,348, ACGGCCACAGCGCTC duplicated; duplicating any 15 consecutive bases within chr14:64,225,333-64,225,348 gives the same sequence; the c. name uses the placement nearest the transcript's 3' end. VCF-style (leftmost placement, unchanged base first): chr14-64225332-A-ACACGGCCACAGCGCT. GRCh37 (hg19) VCF-style: chr14-64692050-A-ACACGGCCACAGCGCT.
Other names: c.20466_20480dup, p.Ser6827_Phe6828insArgProGlnArgSer (NM_015180.6); c.1098_1112dup, p.Ser371_Phe372insArgProGlnArgSer (NM_182910.2); c.1479_1493dup, p.Ser498_Phe499insArgProGlnArgSer (NM_182913.4).
Identifiers: ClinVar variation 5019697 (VCV005019697.2).
Genomic context (GRCh38, chr14:64,225,332, plus strand): 5'-GTGCCTGTGGAGCCTCCCAATCAGCTCTCAACCTCCTCTGTTGGCAGGGTCCCCGGCAGC[A>ACACGGCCACAGCGCT]CACGGCCACAGCGCTCCTTCCTCTCAAGGGTGGTCCGGGCAGCCCTACCCCTGCAGCTGC-3'